The following is an entry in ClinVar:

ClinVar aggregate classification (germline): Uncertain significance (1 of 4 stars; one submission).

Submission:

Ambry Genetics
Classification: Uncertain significance. Last evaluated: 2026-01-11. Review status: criteria provided, single submitter. Criteria: Ambry Variant Classification Scheme 2023. Collection method: clinical testing. Allele origin: germline.
Comment: The p.G1020R variant (also known as c.3058G>C), located in coding exon 11 of the WNK2 gene, results from a G to C substitution at nucleotide position 3058. The glycine at codon 1020 is replaced by arginine, an amino acid with dissimilar properties. This amino acid position is conserved. In addition, the in silico prediction for this alteration is inconclusive. Based on the available evidence, the clinical significance of this variant remains unclear.

NM_006648.4(WNK2):c.3058G>C (p.Gly1020Arg)

Gene: WNK2 (WNK lysine deficient protein kinase 2; plus strand). Cytogenetic location: 9q22.31.
Variant type: single nucleotide variant.
Coding change: c.3058G>C on transcript NM_006648.4 (MANE Select); coding-DNA position 3058, G replaced by C.
Protein change: p.Gly1020Arg; replaces glycine 1020 with arginine.
Molecular consequence: missense variant.
Genome position (GRCh38, 1-based): chr9:93,259,606, G>C. VCF-style: chr9-93259606-G-C. GRCh37 (hg19) VCF-style: chr9-96021888-G-C.
Other names: c.3058G>C, p.Gly1020Arg (NM_001282394.3); short protein forms G1020R.
Identifiers: ClinVar variation 4842136 (VCV004842136.1).